The following is an entry in ClinVar:

NM_002860.4(ALDH18A1):c.251G>A (p.Arg84Gln)

Gene: ALDH18A1 (aldehyde dehydrogenase 18 family member A1; minus strand). Cytogenetic location: 10q24.1.
Variant type: single nucleotide variant.
Coding change: c.251G>A on transcript NM_002860.4 (MANE Select); coding-DNA position 251, G replaced by A.
Protein change: p.Arg84Gln; replaces arginine 84 with glutamine.
Molecular consequence: missense variant. On other transcripts: intron variant (4).
Genome position (GRCh38, 1-based): chr10:95,643,044, C>T on the plus strand (G>A on the coding strand, the complement: ALDH18A1 is on the minus strand). VCF-style: chr10-95643044-C-T. GRCh37 (hg19) VCF-style: chr10-97402801-C-T.
Other names: c.251G>A, p.Arg84Gln (NM_001017423.2, NM_001323413.2, NM_001323414.2 and 2 more transcripts); c.-78-9395G>A (NM_001323419.2); c.-30-5608G>A (NM_001323412.2, NM_001323418.2, NM_001323416.2); c.251G>A (NM_001323413.1); short protein forms R84Q.
Identifiers: ClinVar variation 16085 (VCV000016085.17), dbSNP rs121434582, ClinGen allele CA126195.

ClinVar aggregate classification (germline): Conflicting classifications of pathogenicity. Review status: criteria provided, conflicting classifications (1 of 4 stars). 6 submissions from 6 submitters: Pathogenic (2); Likely pathogenic (2); Uncertain significance (1). 1 of the submissions does not count toward it. Last evaluated 2024-08-01.

Conditions:
Autosomal dominant spastic paraplegia type 9. Identifiers: MedGen C1832669, MONDO:0015091.
de Barsy syndrome. Also called: Cutis laxa-corneal clouding-oligophrenia syndrome. Identifiers: Orphanet 2962, MedGen C0268354, MONDO:0017569.
Cutis laxa, autosomal dominant 3 (ADCL3). Identifiers: Orphanet 90348, MedGen C4225268, MONDO:0014706, OMIM 616603.
ALDH18A1-related de Barsy syndrome. Also called: Cutis laxa, autosomal recessive IIIA; DE BARSY SYNDROME A. Identifiers: Orphanet 2962, Orphanet 35664, MedGen C5234852, MONDO:0009053, OMIM 219150.

Allele frequency attached by ClinVar (database versions not stated): gnomAD exomes 0.00001; gnomAD 0.00002; TOPMed 0.00002.
gnomAD v4.1: 21 of 1,613,856 alleles (0.0013%); highest among the groups gnomAD compares: Middle Eastern, 0.017%; no homozygotes.

Submissions (6):

Labcorp Genetics (formerly Invitae), Labcorp
Classification: Pathogenic for Autosomal dominant spastic paraplegia type 9; de Barsy syndrome; Cutis laxa, autosomal dominant 3. Last evaluated: 2024-08-01. Review status: criteria provided, single submitter. Criteria: Invitae Variant Classification Sherloc (09022015). Collection method: clinical testing. Allele origin: germline.
Comment: This sequence change replaces arginine, which is basic and polar, with glutamine, which is neutral and polar, at codon 84 of the ALDH18A1 protein (p.Arg84Gln). This variant is present in population databases (rs121434582, gnomAD 0.007%). This missense change has been observed in individuals with clinical features of autosomal recessive ALDH18A1-related conditions (PMID: 11092761, 27023906, 29754261). It has also been observed to segregate with disease in related individuals. ClinVar contains an entry for this variant (Variation ID: 16085). Advanced modeling of protein sequence and biophysical properties (such as structural, functional, and spatial information, amino acid conservation, physicochemical variation, residue mobility, and thermodynamic stability) has been performed at Invitae for this missense variant, however the output from this modeling did not meet the statistical confidence thresholds required to predict the impact of this variant on ALDH18A1 protein function. Experimental studies have shown that this missense change affects ALDH18A1 function (PMID: 11092761). For these reasons, this variant has been classified as Pathogenic.

Genomic Medicine Center of Excellence, King Faisal Specialist Hospital and Research Centre
Classification: Likely pathogenic for ALDH18A1-related de Barsy syndrome. Last evaluated: 2024-03-17. Review status: criteria provided, single submitter. Criteria: ACMG Guidelines, 2015. Collection method: research. Allele origin: germline.

Revvity Omics, Revvity
Classification: Likely pathogenic. Last evaluated: 2023-02-12. Review status: criteria provided, single submitter. Criteria: ACMG Guidelines, 2015. Collection method: clinical testing. Allele origin: germline.

GeneDx
Classification: Pathogenic. Last evaluated: 2022-09-02. Review status: criteria provided, single submitter. Criteria: GeneDx Variant Classification Process June 2021. Collection method: clinical testing. Allele origin: germline. Affected: yes.
Comment: Observed in trans with another ALDH18A1 variant in an individual with autosomal recessive spastic paraplegia in the literature (Steenhof et al., 2018); Not observed at a significant frequency in large population cohorts (gnomAD); In silico analysis supports that this missense variant has a deleterious effect on protein structure/function; Published functional studies demonstrate severely reduced growth and enzymatic activity when expressed in CHO-K1 cells (Baumgartner et al., 2000), as well as reduced proline biosynthesis in patient fibroblasts (Baumgartner et al., 2005); Reported in ClinVar (ClinVar Variant ID# 16085; ClinVar); This variant is associated with the following publications: (PMID: 9622938, 29754261, 11092761, 27023906, 15517380)

Eurofins Ntd Llc (ga)
Classification: Uncertain significance. Last evaluated: 2016-12-20. Review status: criteria provided, single submitter. Criteria: EGL Classification Definitions 2015. Collection method: clinical testing. Allele origin: germline. Observed: 2 variant alleles, 2 heterozygotes.

OMIM
Classification: Pathogenic for CUTIS LAXA, AUTOSOMAL RECESSIVE, TYPE IIIA. Last evaluated: 2000-11-22. Review status: no assertion criteria provided. Collection method: literature only. Allele origin: germline. Not counted in ClinVar's aggregate classification.

Literature cited by the submitters: PubMed 11092761 (cited by Labcorp Genetics (formerly Invitae), Labcorp and OMIM); PubMed 27023906 (cited by Labcorp Genetics (formerly Invitae), Labcorp); PubMed 29754261 (cited by Labcorp Genetics (formerly Invitae), Labcorp); Rabier, D., Nuttin, C., Poggi, F., Padovani, J. P., Abdo, K., Bardet, J., Parvy, P., Kamoun, P., Saudubray, J. M. Familial joint hyperlaxity, skin hyperelasticity, cataract and mental retardation with hyperammonemia and low citrulline, ornithine and proline: a new disorder of collagen metabolism? Abstracts of Free Communications, 30th Annual Symposium Leuven, Sept. 8-11, 1992. The Society for the Study of Inborn Errors of Metabolism (SSIEM): Leuven 1992. P. 61. (cited by OMIM).